The following is an entry in ClinVar:

NM_033409.4(SLC52A3):c.1241A>G (p.Lys414Arg)

Gene: SLC52A3 (solute carrier family 52 member 3; minus strand). Cytogenetic location: 20p13.
Variant type: single nucleotide variant.
Coding change: c.1241A>G on transcript NM_033409.4 (MANE Select); coding-DNA position 1241, A replaced by G.
Protein change: p.Lys414Arg; replaces lysine 414 with arginine.
Molecular consequence: missense variant.
Genome position (GRCh38, 1-based): chr20:761,195, T>C on the plus strand (A>G on the coding strand, the complement: SLC52A3 is on the minus strand). VCF-style: chr20-761195-T-C. GRCh37 (hg19) VCF-style: chr20-741839-T-C.
Other names: c.1241A>G, p.Lys414Arg (NM_001370085.1, NM_001370086.1); short protein forms K414R.
Identifiers: ClinVar variation 2140884 (VCV002140884.3), dbSNP rs772753947, ClinGen allele CA9724533.
Genomic context (GRCh38, chr20:761,195, plus strand): 5'-GCCCCGCACCACAAGAGGGCGCTGCGGCTGAGGTCGCGCAGGACCACGCCCAGCATCACC[T>C]TGACGTAACTGAGGCAGCCGCTGAAAAGCACCCACGAGGCCACCTGCGGGGCCGGGAGGG-3'
Protein context (NP_212134.3, residues 404-424): VLFSGCLSYV[Lys414Arg]VMLGVVLRDL

ClinVar aggregate classification (germline): Uncertain significance (1 of 4 stars; one submission).

Conditions:
Brown-Vialetto-van Laere syndrome 1. Also called: BROWN-VIALETTO-VAN LAERE SYNDROME 1, MILD; BULBAR PALSY, PROGRESSIVE, WITH SENSORINEURAL DEAFNESS; PONTOBULBAR PALSY WITH DEAFNESS. Identifiers: Orphanet 572550, Orphanet 97229, MedGen C0796274, MONDO:0024537, OMIM 211530.

Allele frequency attached by ClinVar (database versions not stated): gnomAD exomes below 0.00001; TOPMed below 0.00001; gnomAD 0.00001; ExAC 0.00004.

Submission:

Labcorp Genetics (formerly Invitae), Labcorp
Classification: Uncertain significance for Brown-Vialetto-van Laere syndrome 1. Last evaluated: 2025-04-19. Review status: criteria provided, single submitter. Criteria: Invitae Variant Classification Sherloc (09022015). Collection method: clinical testing. Allele origin: germline.
Comment: This sequence change replaces lysine, which is basic and polar, with arginine, which is basic and polar, at codon 414 of the SLC52A3 protein (p.Lys414Arg). The frequency data for this variant in the population databases is considered unreliable, as metrics indicate poor data quality at this position in the gnomAD database. This variant has not been reported in the literature in individuals affected with SLC52A3-related conditions. ClinVar contains an entry for this variant (Variation ID: 2140884). Invitae Evidence Modeling of protein sequence and biophysical properties (such as structural, functional, and spatial information, amino acid conservation, physicochemical variation, residue mobility, and thermodynamic stability) has been performed for this missense variant. However, the output from this modeling did not meet the statistical confidence thresholds required to predict the impact of this variant on SLC52A3 protein function. In summary, the available evidence is currently insufficient to determine the role of this variant in disease. Therefore, it has been classified as a Variant of Uncertain Significance.